The following is an entry in ClinVar:

ClinVar aggregate classification (germline): Likely benign (1 of 4 stars; one submission).

gnomAD v4.1: 8 of 1,566,634 alleles (0.00051%); highest among the groups gnomAD compares: African/African-American, 0.008%; no homozygotes.

Submission:

CeGaT Center for Human Genetics Tuebingen
Classification: Likely benign. Last evaluated: 2025-10-01. Review status: criteria provided, single submitter. Criteria: CeGaT Center For Human Genetics Tuebingen Variant Classification Criteria Version 2. Collection method: clinical testing. Allele origin: germline. Affected: yes. Observed: 1 variant allele.
Comment: CRIPAK: BP4, BP7

NC_000004.12:g.1395267C>G

Genes: UVSSA (UV stimulated scaffold protein A; plus strand), CRIPAK (cysteine rich PAK1 inhibitor; plus strand), LOC126806945 (P300/CBP strongly-dependent group 1 enhancer GRCh37_chr4:1388225-1389424; plus strand). Cytogenetic location: 4p16.3.
Variant type: single nucleotide variant.
Genome position: GRCh38 VCF-style: chr4-1395267-C-G. GRCh37 (hg19) VCF-style: chr4-1389055-C-G.
Identifiers: ClinVar variation 4535478 (VCV004535478.6).